The following is an entry in ClinVar:

ClinVar aggregate classification (germline): Uncertain significance (1 of 4 stars; one submission).

Submission:

Labcorp Genetics (formerly Invitae), Labcorp
Classification: Uncertain significance. Last evaluated: 2022-07-06. Review status: criteria provided, single submitter. Criteria: Invitae Variant Classification Sherloc (09022015). Collection method: clinical testing. Allele origin: germline.
Comment: In summary, the available evidence is currently insufficient to determine the role of this variant in disease. Therefore, it has been classified as a Variant of Uncertain Significance. Algorithms developed to predict the effect of missense changes on protein structure and function (SIFT, PolyPhen-2, Align-GVGD) all suggest that this variant is likely to be tolerated. This variant has not been reported in the literature in individuals affected with RBP3-related conditions. This variant is not present in population databases (gnomAD no frequency). This sequence change replaces methionine, which is neutral and non-polar, with lysine, which is basic and polar, at codon 524 of the RBP3 protein (p.Met524Lys).

NM_002900.3(RBP3):c.1571T>A (p.Met524Lys)

Gene: RBP3 (retinol binding protein 3; plus strand). Cytogenetic location: 10q11.22.
Variant type: single nucleotide variant.
Coding change: c.1571T>A on transcript NM_002900.3 (MANE Select); coding-DNA position 1571, T replaced by A.
Protein change: p.Met524Lys; replaces methionine 524 with lysine.
Molecular consequence: missense variant.
Genome position (GRCh38, 1-based): chr10:47,350,055, T>A. VCF-style: chr10-47350055-T-A. GRCh37 (hg19) VCF-style: chr10-48389307-A-T.
Other names: short protein forms M524K.
Identifiers: ClinVar variation 2088806 (VCV002088806.4), dbSNP rs1836936464, ClinGen allele CA376670881.